The following is an entry in ClinVar:

ClinVar aggregate classification (germline): Uncertain significance (1 of 4 stars; one submission).

Conditions:
Atypical glycine encephalopathy. Also called: Glycine encephalopathy with normal serum glycine. Identifiers: Orphanet 289863, MedGen C4310943, MONDO:0015010, OMIM 617301.

Allele frequency attached by ClinVar (database versions not stated): TOPMed 0.00001; gnomAD 0.00003; ExAC 0.00004; ESP Exome Variant Server 0.00008.
gnomAD v4.1: 52 of 1,604,966 alleles (0.0032%); highest among the groups gnomAD compares: Non-Finnish European, 0.0042%; no homozygotes.

Submission:

Labcorp Genetics (formerly Invitae), Labcorp
Classification: Uncertain significance for Atypical glycine encephalopathy. Last evaluated: 2024-10-29. Review status: criteria provided, single submitter. Criteria: Invitae Variant Classification Sherloc (09022015). Collection method: clinical testing. Allele origin: germline.
Comment: This sequence change replaces alanine, which is neutral and non-polar, with threonine, which is neutral and polar, at codon 11 of the SLC6A9 protein (p.Ala11Thr). The frequency data for this variant in the population databases is considered unreliable, as metrics indicate poor data quality at this position in the gnomAD database. This variant has not been reported in the literature in individuals affected with SLC6A9-related conditions. ClinVar contains an entry for this variant (Variation ID: 2421052). An algorithm developed to predict the effect of missense changes on protein structure and function outputs the following: PolyPhen-2: "Benign". The threonine amino acid residue is found in multiple mammalian species, which suggests that this missense change does not adversely affect protein function. In summary, the available evidence is currently insufficient to determine the role of this variant in disease. Therefore, it has been classified as a Variant of Uncertain Significance.

NM_001024845.3(SLC6A9):c.31-6221G>A

Gene: SLC6A9 (solute carrier family 6 member 9; minus strand). Cytogenetic location: 1p34.1.
Variant type: single nucleotide variant.
Coding change: c.31-6221G>A on transcript NM_001024845.3 (MANE Select); 6221 bases into the intron before coding-DNA position 31, G replaced by A.
Molecular consequence: intron variant. On other transcripts: missense variant (5), non-coding transcript variant (1).
Genome position (GRCh38, 1-based): chr1:44,017,103, C>T on the plus strand (G>A on the coding strand, the complement: SLC6A9 is on the minus strand). VCF-style: chr1-44017103-C-T. GRCh37 (hg19) VCF-style: chr1-44482775-C-T.
Other names: c.31G>A, p.Ala11Thr (NM_001261380.2, NM_006934.4, NM_201649.4); c.68G>A, p.Arg23His (NM_001328627.1, NM_001328628.1); c.-15+7145G>A (NM_001328630.2, NM_001328626.2); c.31-6221G>A (NM_001328629.1); short protein forms A11T, R23H.
Identifiers: ClinVar variation 2421052 (VCV002421052.5), dbSNP rs199577336, ClinGen allele CA817977.